The following is an entry in ClinVar:

NM_005732.4(RAD50):c.3478A>T (p.Ile1160Phe)

Genes: RAD50 (RAD50 double strand break repair protein; plus strand), TH2-LCR (Th2 cytokine locus control region; plus strand), TH2LCRR (T helper type 2 locus control region associated RNA; minus strand). Cytogenetic location: 5q31.1.
Variant type: single nucleotide variant.
Coding change: c.3478A>T on transcript NM_005732.4 (MANE Select); coding-DNA position 3478, A replaced by T.
Protein change: p.Ile1160Phe; replaces isoleucine 1160 with phenylalanine.
Molecular consequence: missense variant. On other transcripts: non-coding transcript variant (2).
Genome position (GRCh38, 1-based): chr5:132,638,083, A>T. VCF-style: chr5-132638083-A-T. GRCh37 (hg19) VCF-style: chr5-131973775-A-T.
Other names: short protein forms I1160F.
Identifiers: ClinVar variation 823820 (VCV000823820.4), dbSNP rs1581021011, ClinGen allele CA360931024.

ClinVar aggregate classification (germline): Uncertain significance (1 of 4 stars; one submission).

Conditions:
Hereditary cancer-predisposing syndrome. Also called: Neoplastic Syndromes, Hereditary; Tumor predisposition; Hereditary neoplastic syndrome; Hereditary Cancer Syndrome. Identifiers: Orphanet 140162, MedGen C0027672, MeSH D009386, MONDO:0015356.

Submission:

Ambry Genetics
Classification: Uncertain significance for Hereditary cancer-predisposing syndrome. Last evaluated: 2019-08-15. Review status: criteria provided, single submitter. Criteria: Ambry Variant Classification Scheme 2023. Collection method: clinical testing. Allele origin: germline.
Comment: The p.I1160F variant (also known as c.3478A>T), located in coding exon 23 of the RAD50 gene, results from an A to T substitution at nucleotide position 3478. The isoleucine at codon 1160 is replaced by phenylalanine, an amino acid with highly similar properties. This amino acid position is highly conserved in available vertebrate species. In addition, this alteration is predicted to be deleterious by in silico analysis. Since supporting evidence is limited at this time, the clinical significance of this alteration remains unclear.